The following is an entry in ClinVar:

ClinVar aggregate classification (germline): Uncertain significance. Review status: criteria provided, multiple submitters, no conflicts (2 of 4 stars). 2 submissions from 2 submitters: Uncertain significance (2). Last evaluated 2026-03-24.

Conditions:
PCNT-related disorder. Also called: PCNT-related condition.
Inborn genetic diseases. Identifiers: MedGen C0950123, MeSH D030342.

gnomAD v4.1: 55 of 1,613,970 alleles (0.0034%); highest among the groups gnomAD compares: Non-Finnish European, 0.0046%; no homozygotes.

Submissions (2):

PreventionGenetics, part of Exact Sciences
Classification: Uncertain significance for PCNT-related condition. Last evaluated: 2026-03-24. Review status: criteria provided, single submitter. Criteria: ACMG Guidelines, 2015. Collection method: clinical testing. Allele origin: germline.
Comment: The PCNT c.4771A>G variant is predicted to result in the amino acid substitution p.Ile1591Val. To our knowledge, this variant has not been reported in the literature. This variant is reported in 0.0035% of alleles in individuals of European (Non-Finnish) descent in gnomAD. At this time, the clinical significance of this variant is uncertain due to the absence of conclusive functional and genetic evidence.

Ambry Genetics
Classification: Uncertain significance for Inborn genetic diseases. Last evaluated: 2024-04-08. Review status: criteria provided, single submitter. Criteria: Ambry Variant Classification Scheme 2023. Collection method: clinical testing. Allele origin: germline.

NM_006031.6(PCNT):c.4771A>G (p.Ile1591Val)

Gene: PCNT (pericentrin; plus strand). Cytogenetic location: 21q22.3.
Variant type: single nucleotide variant.
Coding change: c.4771A>G on transcript NM_006031.6 (MANE Select); coding-DNA position 4771, A replaced by G.
Protein change: p.Ile1591Val; replaces isoleucine 1591 with valine.
Molecular consequence: missense variant.
Genome position (GRCh38, 1-based): chr21:46,399,776, A>G. VCF-style: chr21-46399776-A-G. GRCh37 (hg19) VCF-style: chr21-47819690-A-G.
Other names: c.4417A>G, p.Ile1473Val (NM_001315529.2); short protein forms I1591V, I1473V.
Identifiers: ClinVar variation 3305202 (VCV003305202.2).